The following is an entry in ClinVar:

NM_001354604.2(MITF):c.1252G>A (p.Val418Met)

Gene: MITF (melanocyte inducing transcription factor; plus strand). Cytogenetic location: 3p13.
Variant type: single nucleotide variant.
Coding change: c.1252G>A on transcript NM_001354604.2 (MANE Select); coding-DNA position 1252, G replaced by A.
Protein change: p.Val418Met; replaces valine 418 with methionine.
Molecular consequence: missense variant.
Genome position (GRCh38, 1-based): chr3:69,964,919, G>A. VCF-style: chr3-69964919-G-A. GRCh37 (hg19) VCF-style: chr3-70014070-G-A.
Other names: c.931G>A, p.Val311Met (NM_000248.4); c.1078G>A, p.Val360Met (NM_001184967.2, NM_001354608.2); c.1249G>A, p.Val417Met (NM_001354605.2); c.1231G>A, p.Val411Met (NM_001354606.2, NM_006722.3); c.1183G>A, p.Val395Met (NM_001354607.2); c.913G>A, p.Val305Met (NM_198158.3); c.1234G>A, p.Val412Met (NM_198159.3); c.1186G>A, p.Val396Met (NM_198177.3); and 1 more; short protein forms V418M, V412M, V417M, V249M, V305M, V311M, V360M, V395M.
Identifiers: ClinVar variation 4055232 (VCV004055232.2).

ClinVar aggregate classification (germline): Uncertain significance (1 of 4 stars; one submission).

Conditions:
Hereditary cancer-predisposing syndrome. Also called: Neoplastic Syndromes, Hereditary; Tumor predisposition; Hereditary neoplastic syndrome; Hereditary Cancer Syndrome. Identifiers: Orphanet 140162, MedGen C0027672, MeSH D009386, MONDO:0015356.

gnomAD v4.1: 1 of 1,614,042 alleles (0.000062%); highest among the groups gnomAD compares: Non-Finnish European, 0.000085%; no homozygotes.

Submission:

Ambry Genetics
Classification: Uncertain significance for Hereditary cancer-predisposing syndrome. Last evaluated: 2025-08-02. Review status: criteria provided, single submitter. Criteria: Ambry Variant Classification Scheme 2023. Collection method: clinical testing. Allele origin: germline.
Comment: The p.V311M variant (also known as c.931G>A), located in coding exon 9 of the MITF gene, results from a G to A substitution at nucleotide position 931. The valine at codon 311 is replaced by methionine, an amino acid with highly similar properties. This amino acid position is conserved. In addition, this alteration is predicted to be tolerated by in silico analysis. Based on the available evidence, the clinical significance of this variant remains unclear.